The following is an entry in ClinVar:

NM_052844.4(DYNC2I2):c.299C>T (p.Pro100Leu)

Gene: DYNC2I2 (dynein 2 intermediate chain 2; minus strand). Cytogenetic location: 9q34.11.
Variant type: single nucleotide variant.
Coding change: c.299C>T on transcript NM_052844.4 (MANE Select); coding-DNA position 299, C replaced by T.
Protein change: p.Pro100Leu; replaces proline 100 with leucine.
Molecular consequence: missense variant.
Genome position (GRCh38, 1-based): chr9:128,640,827, G>A on the plus strand (C>T on the coding strand, the complement: DYNC2I2 is on the minus strand). VCF-style: chr9-128640827-G-A. GRCh37 (hg19) VCF-style: chr9-131403106-G-A.
Other names: short protein forms P100L.
Identifiers: ClinVar variation 838324 (VCV000838324.6), dbSNP rs202215428, ClinGen allele CA5266668.

ClinVar aggregate classification (germline): Conflicting classifications of pathogenicity. Review status: criteria provided, conflicting classifications (1 of 4 stars). 2 submissions from 2 submitters: Uncertain significance (1); Likely benign (1). Last evaluated 2022-06-02.

Conditions:
Short-rib thoracic dysplasia 11 with or without polydactyly (SRTD11). Also called: SHORT-RIB THORACIC DYSPLASIA 11 WITHOUT POLYDACTYLY. Identifiers: Orphanet 474, Orphanet 93271, MedGen C3810200, MONDO:0014287, OMIM 615633.
Inborn genetic diseases. Identifiers: MedGen C0950123, MeSH D030342.

Allele frequency attached by ClinVar (database versions not stated): ExAC 0.00003; gnomAD 0.00004; gnomAD exomes 0.00004; TOPMed 0.00005.

Submissions (2):

Labcorp Genetics (formerly Invitae), Labcorp
Classification: Uncertain significance for Short-rib thoracic dysplasia 11 with or without polydactyly. Last evaluated: 2022-06-02. Review status: criteria provided, single submitter. Criteria: Invitae Variant Classification Sherloc (09022015). Collection method: clinical testing. Allele origin: germline.
Comment: This sequence change replaces proline, which is neutral and non-polar, with leucine, which is neutral and non-polar, at codon 100 of the WDR34 protein (p.Pro100Leu). This variant is present in population databases (rs202215428, gnomAD 0.03%). In summary, the available evidence is currently insufficient to determine the role of this variant in disease. Therefore, it has been classified as a Variant of Uncertain Significance. Algorithms developed to predict the effect of missense changes on protein structure and function output the following: SIFT: "Tolerated"; PolyPhen-2: "Benign"; Align-GVGD: "Class C0". The leucine amino acid residue is found in multiple mammalian species, which suggests that this missense change does not adversely affect protein function. ClinVar contains an entry for this variant (Variation ID: 838324). This variant has not been reported in the literature in individuals affected with WDR34-related conditions.

Ambry Genetics
Classification: Likely benign for Inborn genetic diseases. Last evaluated: 2021-10-12. Review status: criteria provided, single submitter. Criteria: Ambry Variant Classification Scheme 2023. Collection method: clinical testing. Allele origin: germline.